The following is an entry in ClinVar:

NM_032043.3(BRIP1):c.340C>T (p.Pro114Ser)

Gene: BRIP1 (BRCA1 interacting DNA helicase 1; minus strand). Cytogenetic location: 17q23.2.
Variant type: single nucleotide variant.
Coding change: c.340C>T on transcript NM_032043.3 (MANE Select); coding-DNA position 340, C replaced by T.
Protein change: p.Pro114Ser; replaces proline 114 with serine.
Molecular consequence: missense variant.
Genome position (GRCh38, 1-based): chr17:61,857,097, G>A on the plus strand (C>T on the coding strand, the complement: BRIP1 is on the minus strand). VCF-style: chr17-61857097-G-A. GRCh37 (hg19) VCF-style: chr17-59934458-G-A.
Other names: short protein forms P114S.
Identifiers: ClinVar variation 1428199 (VCV001428199.10), dbSNP rs2145827137, ClinGen allele CA400485333.
Genomic context (GRCh38, chr17:61,857,097, plus strand): 5'-CCCAGGCAAAATATAAATTACCTTGACAAGTTGATGAAGTGCCATTTCTTTCAGAAGGTG[G>A]TGTGCTTGGATAGTTGAAATGACGTGAAGTTCCTTGGTTCATGTCATTGTTTGTAAAATC-3'
Protein context (NP_114432.2, residues 104-124): TSRHFNYPST[Pro114Ser]PSERNGTSST

ClinVar aggregate classification (germline): Uncertain significance. Review status: criteria provided, multiple submitters, no conflicts (2 of 4 stars). 2 submissions from 2 submitters: Uncertain significance (2). Last evaluated 2023-02-14.

Conditions:
Familial cancer of breast. Also called: BREAST CANCER, FAMILIAL; hereditary breast carcinoma; Hereditary breast cancer. Identifiers: Orphanet 227535, MedGen C0346153, MONDO:0016419, OMIM 114480. Disease mechanism: loss of function.
Fanconi anemia complementation group J. Also called: BRIP1-Related Fanconi Anemia. Identifiers: Orphanet 84, MedGen C1836860, MONDO:0012187, OMIM 609054.

Submissions (2):

Labcorp Genetics (formerly Invitae), Labcorp
Classification: Uncertain significance for Familial cancer of breast; Fanconi anemia complementation group J. Last evaluated: 2023-02-14. Review status: criteria provided, single submitter. Criteria: Invitae Variant Classification Sherloc (09022015). Collection method: clinical testing. Allele origin: germline.
Comment: In summary, the available evidence is currently insufficient to determine the role of this variant in disease. Therefore, it has been classified as a Variant of Uncertain Significance. Advanced modeling of protein sequence and biophysical properties (such as structural, functional, and spatial information, amino acid conservation, physicochemical variation, residue mobility, and thermodynamic stability) performed at Invitae indicates that this missense variant is not expected to disrupt BRIP1 protein function. ClinVar contains an entry for this variant (Variation ID: 1428199). This variant has not been reported in the literature in individuals affected with BRIP1-related conditions. This variant is not present in population databases (gnomAD no frequency). This sequence change replaces proline, which is neutral and non-polar, with serine, which is neutral and polar, at codon 114 of the BRIP1 protein (p.Pro114Ser).

Fulgent Genetics
Classification: Uncertain significance for Familial cancer of breast; Fanconi anemia complementation group J. Last evaluated: 2021-09-30. Review status: criteria provided, single submitter. Criteria: ACMG Guidelines, 2015. Collection method: clinical testing. Allele origin: unknown.